The following is an entry in ClinVar:

ClinVar aggregate classification (germline): Pathogenic (1 of 4 stars; one submission).

Submission:

Labcorp Genetics (formerly Invitae), Labcorp
Classification: Pathogenic. Last evaluated: 2023-01-13. Review status: criteria provided, single submitter. Criteria: Invitae Variant Classification Sherloc (09022015). Collection method: clinical testing. Allele origin: germline.
Comment: For these reasons, this variant has been classified as Pathogenic. This premature translational stop signal has been observed in individual(s) with autosomal recessive MYO7A associated conditions (PMID: 22898263, 30733538). This variant is not present in population databases (gnomAD no frequency). This sequence change creates a premature translational stop signal (p.Arg747Lysfs*17) in the MYO7A gene. It is expected to result in an absent or disrupted protein product. Loss-of-function variants in MYO7A are known to be pathogenic (PMID: 8900236, 25404053).

Literature cited by the submitters: PubMed 22898263; PubMed 30733538; PubMed 8900236; PubMed 25404053.

NM_000260.4(MYO7A):c.2239dup (p.Arg747fs)

Gene: MYO7A (myosin VIIA; plus strand). Cytogenetic location: 11q13.5.
Variant type: Duplication.
Coding change: c.2239dup on transcript NM_000260.4 (MANE Select); coding-DNA position 2239, one base duplicated (A; older notation c.2239dupA).
Protein change: p.Arg747fs; shifts the reading frame from arginine 747.
Molecular consequence: frameshift variant.
Genome position (GRCh38, 1-based): chr11:77,177,600, A duplicated. VCF-style (leftmost placement, unchanged base first): chr11-77177599-C-CA. GRCh37 (hg19) VCF-style: chr11-76888645-C-CA.
Other names: c.2239dup, p.Arg747fs (NM_001127180.2); c.2206dup, p.Arg736fs (NM_001369365.1); short protein forms R747fs, R736fs.
Identifiers: ClinVar variation 2826437 (VCV002826437.3), dbSNP rs2497126979, ClinGen allele CA2739270700.
Genomic context (GRCh38, chr11:77,177,599, plus strand): 5'-TGCCTCCTAGGACCACCATGACATGCTGCTGGAAGTGGAGCGGGACAAAGCCATCACCGA[C>CA]AGAGTCATCCTCCTTCAGAAAGTCATCCGGGGATTCAAAGACAGGTGCGTGTTCCCACCA-3'